The following is an entry in ClinVar:

NM_030973.4(MED25):c.557G>A (p.Arg186Gln)

Gene: MED25 (mediator complex subunit 25; plus strand). Cytogenetic location: 19q13.33.
Variant type: single nucleotide variant.
Coding change: c.557G>A on transcript NM_030973.4 (MANE Select); coding-DNA position 557, G replaced by A.
Protein change: p.Arg186Gln; replaces arginine 186 with glutamine.
Molecular consequence: missense variant.
Genome position (GRCh38, 1-based): chr19:49,829,817, G>A. VCF-style: chr19-49829817-G-A. GRCh37 (hg19) VCF-style: chr19-50333074-G-A.
Other names: c.557G>A, p.Arg186Gln (NM_001378355.1); short protein forms R186Q.
Identifiers: ClinVar variation 917361 (VCV000917361.7), dbSNP rs1376475717, ClinGen allele CA406912980.

ClinVar aggregate classification (germline): Uncertain significance. Review status: criteria provided, multiple submitters, no conflicts (2 of 4 stars). 2 submissions from 2 submitters: Uncertain significance (2). Last evaluated 2021-09-01.

Conditions:
Charcot-Marie-Tooth disease. Also called: Charcot-Marie-Tooth Hereditary Neuropathy; Charcot-Marie-Tooth Neuropathy. Identifiers: Orphanet 166, MedGen C0007959, MONDO:0015626.
Charcot-Marie-Tooth disease type 2. Also called: Charcot-Marie-Tooth type 2. Identifiers: Orphanet 64746, MedGen C0270914, MONDO:0018993.

Allele frequency attached by ClinVar (database versions not stated): gnomAD exomes 0.00001; gnomAD 0.00002; TOPMed 0.00002.
gnomAD v4.1: 13 of 1,604,692 alleles (0.00081%); highest among the groups gnomAD compares: African/African-American, 0.0054%; no homozygotes.

Submissions (2):

Labcorp Genetics (formerly Invitae), Labcorp
Classification: Uncertain significance for Charcot-Marie-Tooth disease type 2. Last evaluated: 2021-09-01. Review status: criteria provided, single submitter. Criteria: Invitae Variant Classification Sherloc (09022015). Collection method: clinical testing. Allele origin: germline.
Comment: This sequence change replaces arginine with glutamine at codon 186 of the MED25 protein (p.Arg186Gln). The arginine residue is highly conserved and there is a small physicochemical difference between arginine and glutamine. This variant is not present in population databases (ExAC no frequency). This variant has not been reported in the literature in individuals affected with MED25-related conditions. Algorithms developed to predict the effect of missense changes on protein structure and function are either unavailable or do not agree on the potential impact of this missense change (SIFT: "Deleterious"; PolyPhen-2: "Probably Damaging"; Align-GVGD: "Class C0"). Algorithms developed to predict the effect of sequence changes on RNA splicing suggest that this variant may create or strengthen a splice site. In summary, the available evidence is currently insufficient to determine the role of this variant in disease. Therefore, it has been classified as a Variant of Uncertain Significance.

Molecular Genetics Laboratory, London Health Sciences Centre
Classification: Uncertain significance for Charcot-Marie-Tooth disease. Review status: criteria provided, single submitter. Criteria: ACMG Guidelines, 2015. Collection method: clinical testing. Allele origin: germline. Affected: yes.